The following is an entry in ClinVar:

NM_015102.5(NPHP4):c.1617G>T (p.Glu539Asp)

Gene: NPHP4 (nephrocystin 4; minus strand). Cytogenetic location: 1p36.31.
Variant type: single nucleotide variant.
Coding change: c.1617G>T on transcript NM_015102.5 (MANE Select); coding-DNA position 1617, G replaced by T.
Protein change: p.Glu539Asp; replaces glutamic acid 539 with aspartic acid.
Molecular consequence: missense variant. On other transcripts: non-coding transcript variant (1).
Genome position (GRCh38, 1-based): chr1:5,905,778, C>A on the plus strand (G>T on the coding strand, the complement: NPHP4 is on the minus strand). VCF-style: chr1-5905778-C-A. GRCh37 (hg19) VCF-style: chr1-5965838-C-A.
Other names: c.78G>T, p.Glu26Asp (NM_001291593.2); c.81G>T, p.Glu27Asp (NM_001291594.2); short protein forms E27D, E539D, E26D.
Identifiers: ClinVar variation 2054776 (VCV002054776.4), dbSNP rs1352782560, ClinGen allele CA338055715.

ClinVar aggregate classification (germline): Uncertain significance (1 of 4 stars; one submission).

Conditions:
Nephronophthisis. Also called: Juvenile Nephronophthisis. Identifiers: Orphanet 655, MedGen C0687120, MONDO:0019005, HP:0000090.

gnomAD v4.1: 2 of 1,606,106 alleles (0.00012%); highest among the groups gnomAD compares: Non-Finnish European, 0.00017%; no homozygotes.

Submission:

Labcorp Genetics (formerly Invitae), Labcorp
Classification: Uncertain significance for Nephronophthisis. Last evaluated: 2025-04-17. Review status: criteria provided, single submitter. Criteria: Invitae Variant Classification Sherloc (09022015). Collection method: clinical testing. Allele origin: germline.
Comment: This sequence change replaces glutamic acid, which is acidic and polar, with aspartic acid, which is acidic and polar, at codon 539 of the NPHP4 protein (p.Glu539Asp). This variant is not present in population databases (gnomAD no frequency). This variant has not been reported in the literature in individuals affected with NPHP4-related conditions. ClinVar contains an entry for this variant (Variation ID: 2054776). Invitae Evidence Modeling of protein sequence and biophysical properties (such as structural, functional, and spatial information, amino acid conservation, physicochemical variation, residue mobility, and thermodynamic stability) indicates that this missense variant is not expected to disrupt NPHP4 protein function with a negative predictive value of 80%. In summary, the available evidence is currently insufficient to determine the role of this variant in disease. Therefore, it has been classified as a Variant of Uncertain Significance.